The following is an entry in ClinVar:

ClinVar aggregate classification (germline): Uncertain significance. Review status: criteria provided, single submitter (1 of 4 stars). 2 submissions from 2 submitters: Uncertain significance (1). 1 of the submissions does not count toward it. Last evaluated 2021-09-01.

Conditions:
Schimke immuno-osseous dysplasia (SIOD). Also called: Schimke Immunoosseous Dysplasia. Identifiers: Orphanet 1830, MedGen C0877024, MONDO:0009458, OMIM 242900.

Allele frequency attached by ClinVar (database versions not stated): gnomAD 0.00002; gnomAD exomes 0.00003; TOPMed 0.00003; ExAC 0.00005.

Submissions (2):

Labcorp Genetics (formerly Invitae), Labcorp
Classification: Uncertain significance for Schimke immuno-osseous dysplasia. Last evaluated: 2021-09-01. Review status: criteria provided, single submitter. Criteria: Invitae Variant Classification Sherloc (09022015). Collection method: clinical testing. Allele origin: germline.
Comment: This sequence change replaces arginine with cysteine at codon 518 of the SMARCAL1 protein (p.Arg518Cys). The arginine residue is weakly conserved and there is a large physicochemical difference between arginine and cysteine. This variant is present in population databases (rs763864983, ExAC 0.009%). This variant has not been reported in the literature in individuals affected with SMARCAL1-related conditions. Algorithms developed to predict the effect of missense changes on protein structure and function output the following: SIFT: "Tolerated"; PolyPhen-2: "Benign"; Align-GVGD: "Class C0". The cysteine amino acid residue is found in multiple mammalian species, which suggests that this missense change does not adversely affect protein function. In summary, the available evidence is currently insufficient to determine the role of this variant in disease. Therefore, it has been classified as a Variant of Uncertain Significance.

Natera, Inc.
Classification: Uncertain significance for Schimke immuno-osseous dysplasia. Last evaluated: 2021-05-06. Review status: no assertion criteria provided. Collection method: clinical testing. Allele origin: germline. Not counted in ClinVar's aggregate classification.

NM_014140.4(SMARCAL1):c.1552C>T (p.Arg518Cys)

Gene: SMARCAL1 (SNF2 related chromatin remodeling annealing helicase 1; plus strand). Cytogenetic location: 2q35.
Variant type: single nucleotide variant.
Coding change: c.1552C>T on transcript NM_014140.4 (MANE Select); coding-DNA position 1552, C replaced by T.
Protein change: p.Arg518Cys; replaces arginine 518 with cysteine.
Molecular consequence: missense variant.
Genome position (GRCh38, 1-based): chr2:216,435,404, C>T. VCF-style: chr2-216435404-C-T. GRCh37 (hg19) VCF-style: chr2-217300127-C-T.
Other names: c.1552C>T, p.Arg518Cys (NM_001127207.2); short protein forms R518C.
Identifiers: ClinVar variation 834398 (VCV000834398.9), dbSNP rs763864983, ClinGen allele CA2097920.